The following is an entry in ClinVar:

NM_002474.3(MYH11):c.3672G>C (p.Lys1224Asn)

Gene: MYH11 (myosin heavy chain 11; minus strand). Cytogenetic location: 16p13.11.
Variant type: single nucleotide variant.
Coding change: c.3672G>C on transcript NM_002474.3 (MANE Select); coding-DNA position 3672, G replaced by C.
Protein change: p.Lys1224Asn; replaces lysine 1224 with asparagine.
Molecular consequence: missense variant.
Genome position (GRCh38, 1-based): chr16:15,727,034, C>G on the plus strand (G>C on the coding strand, the complement: MYH11 is on the minus strand). VCF-style: chr16-15727034-C-G. GRCh37 (hg19) VCF-style: chr16-15820891-C-G.
Other names: c.3693G>C, p.Lys1231Asn (NM_001040113.2, NM_001040114.2); c.3672G>C, p.Lys1224Asn (NM_022844.3); short protein forms K1224N, K1231N.
Identifiers: ClinVar variation 5025090 (VCV005025090.1).

ClinVar aggregate classification (germline): Uncertain significance (1 of 4 stars; one submission).

Conditions:
Familial thoracic aortic aneurysm and aortic dissection (TAAD). Also called: Thoracic aortic aneurysms and dissections. Identifiers: Orphanet 91387, MedGen C4707243, MONDO:0019625.

Submission:

Ambry Genetics
Classification: Uncertain significance for Familial thoracic aortic aneurysm and aortic dissection. Last evaluated: 2026-07-21. Review status: criteria provided, single submitter. Criteria: Ambry Variant Classification Scheme 2023. Collection method: clinical testing. Allele origin: germline.
Comment: The p.K1224N variant (also known as c.3672G>C), located in coding exon 27 of the MYH11 gene, results from a G to C substitution at nucleotide position 3672. The lysine at codon 1224 is replaced by asparagine, an amino acid with similar properties. This amino acid position is conserved. In addition, the in silico prediction for this alteration is inconclusive. Based on the available evidence, the clinical significance of this variant remains unclear.